The following is an entry in ClinVar:

NM_001348716.2(KDM6B):c.3441-4G>A

Gene: KDM6B (lysine demethylase 6B; plus strand). Cytogenetic location: 17p13.1.
Variant type: single nucleotide variant.
Coding change: c.3441-4G>A on transcript NM_001348716.2 (MANE Select); 4 bases into the intron before coding-DNA position 3441, G replaced by A.
Molecular consequence: intron variant.
Genome position (GRCh38, 1-based): chr17:7,849,817, G>A. VCF-style: chr17-7849817-G-A. GRCh37 (hg19) VCF-style: chr17-7753135-G-A.
Other names: c.3441-4G>A (NM_001080424.2).
Identifiers: ClinVar variation 3047473 (VCV003047473.6), dbSNP rs200538562, ClinGen allele CA8361171.

ClinVar aggregate classification (germline): Likely benign. Review status: criteria provided, single submitter (1 of 4 stars). 2 submissions from 2 submitters: Likely benign (1). 1 of the submissions does not count toward it. Last evaluated 2026-03-01.

Conditions:
KDM6B-related disorder. Also called: KDM6B-related condition.

Allele frequency attached by ClinVar (database versions not stated): TOPMed 0.00005; gnomAD 0.00038; ExAC 0.00046; 1000 Genomes Project 30x 0.00062; 1000 Genomes Project 0.00080.

Submissions (2):

CeGaT Center for Human Genetics Tuebingen
Classification: Likely benign. Last evaluated: 2026-03-01. Review status: criteria provided, single submitter. Criteria: CeGaT Center For Human Genetics Tuebingen Variant Classification Criteria Version 2. Collection method: clinical testing. Allele origin: germline. Affected: yes. Observed: 1 variant allele.
Comment: KDM6B: BP4, BS1

PreventionGenetics, part of Exact Sciences
Classification: Likely benign for KDM6B-related condition. Last evaluated: 2019-04-08. Review status: no assertion criteria provided. Collection method: clinical testing. Allele origin: germline. Not counted in ClinVar's aggregate classification.
Comment: This variant is classified as likely benign based on ACMG/AMP sequence variant interpretation guidelines (Richards et al. 2015 PMID: 25741868, with internal and published modifications).